The following is an entry in ClinVar:

NM_198904.4(GABRG2):c.1061G>T (p.Gly354Val)

Gene: GABRG2 (gamma-aminobutyric acid type A receptor subunit gamma2; plus strand). Cytogenetic location: 5q34.
Variant type: single nucleotide variant.
Coding change: c.1061G>T on transcript NM_198904.4 (MANE Select); coding-DNA position 1061, G replaced by T.
Protein change: p.Gly354Val; replaces glycine 354 with valine.
Molecular consequence: missense variant. On other transcripts: intron variant (1).
Genome position (GRCh38, 1-based): chr5:162,149,246, G>T. VCF-style: chr5-162149246-G-T. GRCh37 (hg19) VCF-style: chr5-161576252-G-T.
Other names: c.1061G>T, p.Gly354Val (NM_000816.3); c.1052G>T, p.Gly351Val (NM_001375339.1); c.1058G>T, p.Gly353Val (NM_001375341.1, NM_001375342.1); c.1181G>T, p.Gly394Val (NM_001375343.1, NM_198903.2); c.1100G>T, p.Gly367Val (NM_001375344.1); c.995G>T, p.Gly332Val (NM_001375345.1, NM_001375346.1); c.974G>T, p.Gly325Val (NM_001375347.1); c.641G>T, p.Gly214Val (NM_001375348.1, NM_001375350.1); and 2 more; short protein forms G354V, G394V, G214V, G259V, G325V, G332V, G351V, G353V.
Identifiers: ClinVar variation 408211 (VCV000408211.12), dbSNP rs1060501888, ClinGen allele CA16612028.

ClinVar aggregate classification (germline): Likely pathogenic. Review status: criteria provided, multiple submitters, no conflicts (2 of 4 stars). 2 submissions from 2 submitters: Likely pathogenic (2). Last evaluated 2022-09-02.

Conditions:
Developmental and epileptic encephalopathy, 74. Also called: EPILEPTIC ENCEPHALOPATHY, EARLY INFANTILE, 74. Identifiers: MedGen C5193074, MONDO:0032725, OMIM 618396.
Febrile seizures, familial, 8 (FEB8). Also called: CONVULSIONS, FAMILIAL FEBRILE, 8. Identifiers: Orphanet 36387, MedGen C1969810, MONDO:0011891, OMIM 607681.
EPILEPSY, CHILDHOOD ABSENCE, SUSCEPTIBILITY TO, 2 (ECA2). Identifiers: Orphanet 64280, MedGen C1843244, OMIM 607681.

Submissions (2):

Victorian Clinical Genetics Services, Murdoch Childrens Research Institute
Classification: Likely pathogenic for Developmental and epileptic encephalopathy, 74. Last evaluated: 2022-09-02. Review status: criteria provided, single submitter. Criteria: ACMG Guidelines, 2015. Collection method: clinical testing. Allele origin: germline. Inheritance: Autosomal dominant inheritance. Affected: yes.
Comment: A heterozygous missense variant, NM_000816.3(GABRG2):c.1061G>T, has been identified in exon 8 of 9 of the GABRG2 gene. The variant is predicted to result in a major amino acid change from glycine to valine at position 354 of the protein (NP_000807.2(GABRG2):p.(Gly354Val)). The glycine residue at this position has moderate conservation (100 vertebrates, UCSC), but is not located within a well established functional domain. In silico predictions for this variant are consistently pathogenic (Polyphen, SIFT, CADD, Mutation Taster). The variant is absent in population databases (gnomAD) and is located within a region of high missense constraint (Decipher). The variant has been previously described as likely pathogenic (ClinVar) in an individual affected with epilepsy. Analysis of parental samples indicated that this variant is de novo. Based on the information available at the time of curation, this variant has been classified as LIKELY PATHOGENIC.

Labcorp Genetics (formerly Invitae), Labcorp
Classification: Likely pathogenic for Febrile seizures, familial, 8; EPILEPSY, CHILDHOOD ABSENCE, SUSCEPTIBILITY TO, 2. Last evaluated: 2018-04-12. Review status: criteria provided, single submitter. Criteria: Invitae Variant Classification Sherloc (09022015). Collection method: clinical testing. Allele origin: germline.
Comment: In summary, the currently available evidence indicates that the variant is pathogenic, but additional data are needed to prove that conclusively. Therefore, this variant has been classified as Likely Pathogenic. Algorithms developed to predict the effect of missense changes on protein structure and function do not agree on the potential impact of this missense change (SIFT: "Deleterious"; PolyPhen-2: "Probably Damaging"; Align-GVGD: "Class C15"). This variant has been reported to be de novo in an individual affected with epilepsy (Invitae database). This variant is not present in population databases (ExAC no frequency). This sequence change replaces glycine with valine at codon 354 of the GABRG2 protein (p.Gly354Val). The glycine residue is highly conserved and there is a moderate physicochemical difference between glycine and valine.